The following is an entry in ClinVar:

ClinVar aggregate classification (germline): Likely benign (1 of 4 stars; one submission).

Allele frequency attached by ClinVar (database versions not stated): 1000 Genomes Project 30x 0.00656; 1000 Genomes Project 0.00619; TOPMed 0.01681; gnomAD 0.01921.
gnomAD v4.1: 2,662 of 152,114 alleles (1.8%); highest among the groups gnomAD compares: Non-Finnish European, 2.9%; 39 homozygotes.

Submission:

GeneDx
Classification: Likely benign. Last evaluated: 2018-06-18. Review status: criteria provided, single submitter. Criteria: GeneDx Variant Classification (06012015). Collection method: clinical testing. Allele origin: germline. Affected: yes.
Comment: This variant is considered likely benign or benign based on one or more of the following criteria: it is a conservative change, it occurs at a poorly conserved position in the protein, it is predicted to be benign by multiple in silico algorithms, and/or has population frequency not consistent with disease.

NM_016373.4(WWOX):c.792-182A>G

Gene: WWOX (WW domain containing oxidoreductase; plus strand). Cytogenetic location: 16q23.1.
Variant type: single nucleotide variant.
Coding change: c.792-182A>G on transcript NM_016373.4 (MANE Select); 182 bases into the intron before coding-DNA position 792, A replaced by G.
Molecular consequence: intron variant.
Genome position (GRCh38, 1-based): chr16:78,432,306, A>G. VCF-style: chr16-78432306-A-G. GRCh37 (hg19) VCF-style: chr16-78466203-A-G.
Other names: c.453-182A>G (NM_001291997.2).
Identifiers: ClinVar variation 673994 (VCV000673994.1), dbSNP rs139187704, ClinGen allele CA14227433.
Genomic context (GRCh38, chr16:78,432,306, plus strand): 5'-TACAGGCATGCCACCACACCTGGCTAATTTTTGTATTTTTAGTAGAGATGGCATTTTGCC[A>G]TGTTGGCCAGGCTGGTCTTGAACTCCCGACCTCAGGTGATCCACTCGTCTAAGACTCCCA-3'